The following is an entry in ClinVar:

NM_000143.4(FH):c.1378A>G (p.Asn460Asp)

Gene: FH (fumarate hydratase; minus strand). Cytogenetic location: 1q43.
Variant type: single nucleotide variant.
Coding change: c.1378A>G on transcript NM_000143.4 (MANE Select); coding-DNA position 1378, A replaced by G.
Protein change: p.Asn460Asp; replaces asparagine 460 with aspartic acid.
Molecular consequence: missense variant.
Genome position (GRCh38, 1-based): chr1:241,500,449, T>C on the plus strand (A>G on the coding strand, the complement: FH is on the minus strand). VCF-style: chr1-241500449-T-C. GRCh37 (hg19) VCF-style: chr1-241663749-T-C.
Other names: short protein forms N460D.
Identifiers: ClinVar variation 1900061 (VCV001900061.6), dbSNP rs2527312761, ClinGen allele CA345436322.
Genomic context (GRCh38, chr1:241,500,449, plus strand): 5'-TTTTTAATTTTGCATTCAAAATGATATTATTATTCCTTAAACACTTACCTATATGAGGAT[T>C]GAGAGCTGTCACCAACATTAGAGACTCATTCATCAGCTTGTTGATCCTTTCTGTATTGGC-3'
Protein context (NP_000134.2, residues 450-470): NESLMLVTAL[Asn460Asp]PHIGYDKAAK

ClinVar aggregate classification (germline): Uncertain significance. Review status: criteria provided, multiple submitters, no conflicts (2 of 4 stars). 2 submissions from 2 submitters: Uncertain significance (2). Last evaluated 2026-08-22.

Conditions:
Hereditary cancer-predisposing syndrome. Also called: Hereditary neoplastic syndrome; Neoplastic Syndromes, Hereditary; Tumor predisposition; Hereditary Cancer Syndrome. Identifiers: Orphanet 140162, MedGen C0027672, MeSH D009386, MONDO:0015356.

Allele frequency attached by ClinVar (database versions not stated): gnomAD exomes below 0.00001.
gnomAD v4.1: 1 of 1,613,964 alleles (0.000062%); highest among the groups gnomAD compares: Non-Finnish European, 0.000085%; no homozygotes.

Submissions (2):

Ambry Genetics
Classification: Uncertain significance for Hereditary cancer-predisposing syndrome. Last evaluated: 2026-08-22. Review status: criteria provided, single submitter. Criteria: Ambry Variant Classification Scheme 2023. Collection method: clinical testing. Allele origin: germline.
Comment: The p.N460D variant (also known as c.1378A>G), located in coding exon 9 of the FH gene, results from an A to G substitution at nucleotide position 1378. The asparagine at codon 460 is replaced by aspartic acid, an amino acid with highly similar properties. This amino acid position is conserved. In addition, the in silico prediction for this alteration is inconclusive. Based on the available evidence, the clinical significance of this variant remains unclear.

Labcorp Genetics (formerly Invitae), Labcorp
Classification: Uncertain significance. Last evaluated: 2024-05-26. Review status: criteria provided, single submitter. Criteria: Invitae Variant Classification Sherloc (09022015). Collection method: clinical testing. Allele origin: germline.
Comment: This sequence change replaces asparagine, which is neutral and polar, with aspartic acid, which is acidic and polar, at codon 460 of the FH protein (p.Asn460Asp). This variant is not present in population databases (gnomAD no frequency). This variant has not been reported in the literature in individuals affected with FH-related conditions. ClinVar contains an entry for this variant (Variation ID: 1900061). Advanced modeling of protein sequence and biophysical properties (such as structural, functional, and spatial information, amino acid conservation, physicochemical variation, residue mobility, and thermodynamic stability) performed at Invitae indicates that this missense variant is expected to disrupt FH protein function with a positive predictive value of 95%. In summary, the available evidence is currently insufficient to determine the role of this variant in disease. Therefore, it has been classified as a Variant of Uncertain Significance.